The following is an entry in ClinVar:

ClinVar aggregate classification (germline): Pathogenic/Likely pathogenic. Review status: criteria provided, multiple submitters, no conflicts (2 of 4 stars). 5 submissions from 5 submitters: Pathogenic (4); Likely pathogenic (1). Last evaluated 2025-02-11.

Conditions:
Cardiovascular phenotype. Identifiers: MedGen CN230736.
Hereditary cancer-predisposing syndrome. Also called: Tumor predisposition; Hereditary Cancer Syndrome; Hereditary neoplastic syndrome; Neoplastic Syndromes, Hereditary. Identifiers: Orphanet 140162, MedGen C0027672, MeSH D009386, MONDO:0015356.
Neurofibromatosis, type 1 (NF1). Also called: VON RECKLINGHAUSEN DISEASE; NEUROFIBROMATOSIS, TYPE I, SOMATIC; Peripheral type neurofibromatosis; Neurofibromatosis, type I. Identifiers: Orphanet 636, MedGen C0027831, MONDO:0018975, OMIM 162200. Disease mechanism: loss of function.

Submissions (5):

Labcorp Genetics (formerly Invitae), Labcorp
Classification: Pathogenic for Neurofibromatosis, type 1. Last evaluated: 2025-02-11. Review status: criteria provided, single submitter. Criteria: Invitae Variant Classification Sherloc (09022015). Collection method: clinical testing. Allele origin: germline.
Comment: This sequence change replaces lysine, which is basic and polar, with glutamic acid, which is acidic and polar, at codon 1436 of the NF1 protein (p.Lys1436Glu). This variant is not present in population databases (gnomAD no frequency). This missense change has been observed in individual(s) with neurofibromatosis type 1 (NF1) (PMID: 21354044, 23913538, 24789688). In at least one individual the variant was observed to be de novo. ClinVar contains an entry for this variant (Variation ID: 237563). Invitae Evidence Modeling of protein sequence and biophysical properties (such as structural, functional, and spatial information, amino acid conservation, physicochemical variation, residue mobility, and thermodynamic stability) indicates that this missense variant is expected to disrupt NF1 protein function with a positive predictive value of 95%. Algorithms developed to predict the effect of sequence changes on RNA splicing suggest that this variant may create or strengthen a splice site. This variant disrupts the p.Lys1436 amino acid residue in NF1. Other variant(s) that disrupt this residue have been determined to be pathogenic (PMID: 22807134, 24789688). This suggests that this residue is clinically significant, and that variants that disrupt this residue are likely to be disease-causing. For these reasons, this variant has been classified as Pathogenic.

Ambry Genetics
Classification: Pathogenic for Cardiovascular phenotype; Hereditary cancer-predisposing syndrome. Last evaluated: 2024-01-12. Review status: criteria provided, single submitter. Criteria: Ambry Variant Classification Scheme 2023. Collection method: clinical testing. Allele origin: germline.
Comment: The p.K1436E pathogenic mutation (also known as c.4306A>G), located in coding exon 32 of the NF1 gene, results from an A to G substitution at nucleotide position 4306. The lysine at codon 1436 is replaced by glutamic acid, an amino acid with similar properties. This alteration has been detected in three individuals meeting NIH diagnostic criteria for Neurofibromatosis type 1 (NF1) (Evans DG et al. EBioMedicine. 2016 May;7:212-20), one of which was a de novo occurrence (Valero MC et al. J Mol Diagn. 2011 Mar;13:113-22). In addition, this alteration was detected in two other individuals with features of NF1 (Sabbagh A et al. Hum. Mutat. 2013 Nov;34:1510-8; Xu W et al. Int. J. Mol. Med. 2014 Jul;34:53-60). Based on internal structural analysis and one additional study, this variant is anticipated to disrupt a loop region in the putative Ras-binding groove (Fu Y et al. J. Dermatol. 2018 Jun; Scheffzek K et al. Science. 1997 Jul;277(5324):333-8; Ambry Internal Analysis). A different alteration located at the same position, p.K1436E (c.4306A>C), was detected in two individuals with features of NF1 (Xu W et al. Int. J. Mol. Med. 2014 Jul;34:53-60; Thomas L et al. Hum. Mutat. 2012 Dec;33:1687-96). This amino acid position is highly conserved in available vertebrate species. This variant is considered to be rare based on population cohorts in the Genome Aggregation Database (gnomAD). In addition, this alteration is predicted to be deleterious by in silico analysis. Based on the supporting evidence, this alteration is interpreted as a disease-causing mutation.

Mayo Clinic Laboratories, Mayo Clinic
Classification: Likely pathogenic. Last evaluated: 2023-05-17. Review status: criteria provided, single submitter. Criteria: ACMG Guidelines, 2015. Collection method: clinical testing. Allele origin: germline. Observed: 1 variant allele.
Comment: PP2, PP3, PP4, PM2, PM5, PS2_moderate, PS4_moderate

GeneDx
Classification: Pathogenic. Last evaluated: 2022-09-27. Review status: criteria provided, single submitter. Criteria: GeneDx Variant Classification Process June 2021. Collection method: clinical testing. Allele origin: germline. Affected: yes.
Comment: Not observed at significant frequency in large population cohorts (gnomAD); In silico analysis supports that this missense variant has a deleterious effect on protein structure/function; In silico analysis supports a deleterious effect on splicing; This variant is associated with the following publications: (PMID: 9219684, 31487937, 29484149, 27322474, 29952103, 24789688, 23913538, 22807134, 32697994, 25486365, 21354044, 31776437)

Genome-Nilou Lab
Classification: Pathogenic for Neurofibromatosis, type 1. Last evaluated: 2022-03-15. Review status: criteria provided, single submitter. Criteria: ACMG Guidelines, 2015. Collection method: clinical testing. Allele origin: germline. Affected: no.

Literature cited by the submitters: PubMed 21354044 (cited by Labcorp Genetics (formerly Invitae), Labcorp and Mayo Clinic Laboratories, Mayo Clinic); PubMed 23913538 (cited by Labcorp Genetics (formerly Invitae), Labcorp and Mayo Clinic Laboratories, Mayo Clinic); PubMed 24789688 (cited by Labcorp Genetics (formerly Invitae), Labcorp and Mayo Clinic Laboratories, Mayo Clinic); PubMed 22807134 (cited by Labcorp Genetics (formerly Invitae), Labcorp and Mayo Clinic Laboratories, Mayo Clinic); PubMed 27322474 (cited by Mayo Clinic Laboratories, Mayo Clinic).

NM_001042492.3(NF1):c.4369A>G (p.Lys1457Glu)

Gene: NF1 (neurofibromin 1; plus strand). Cytogenetic location: 17q11.2.
Variant type: single nucleotide variant.
Coding change: c.4369A>G on transcript NM_001042492.3 (MANE Select); coding-DNA position 4369, A replaced by G.
Protein change: p.Lys1457Glu; replaces lysine 1457 with glutamic acid.
Molecular consequence: missense variant.
Genome position (GRCh38, 1-based): chr17:31,259,068, A>G. VCF-style: chr17-31259068-A-G. GRCh37 (hg19) VCF-style: chr17-29586086-A-G.
Other names: p.Lys1436Glu; c.4306A>G, p.Lys1436Glu (NM_000267.4); short protein forms K1436E, K1457E.
Identifiers: ClinVar variation 237563 (VCV000237563.18), dbSNP rs878853893, ClinGen allele CA10583502.